The following is an entry in ClinVar:

NM_000535.7(PMS2):c.1532C>T (p.Thr511Met)

Gene: PMS2 (PMS1 homolog 2, mismatch repair system component; minus strand). Cytogenetic location: 7p22.1.
Variant type: single nucleotide variant.
Coding change: c.1532C>T on transcript NM_000535.7 (MANE Select); coding-DNA position 1532, C replaced by T.
Protein change: p.Thr511Met; replaces threonine 511 with methionine.
Molecular consequence: missense variant. On other transcripts: non-coding transcript variant (1).
Genome position (GRCh38, 1-based): chr7:5,987,233, G>A on the plus strand (C>T on the coding strand, the complement: PMS2 is on the minus strand). VCF-style: chr7-5987233-G-A. GRCh37 (hg19) VCF-style: chr7-6026864-G-A.
Other names: c.1532C>T, p.Thr511Met (NM_001322014.2); c.1127C>T, p.Thr376Met (NM_001322003.2, NM_001322004.2, NM_001322005.2 and 1 more transcripts); c.1376C>T, p.Thr459Met (NM_001322006.2); c.1214C>T, p.Thr405Met (NM_001322007.2, NM_001322008.2); c.971C>T, p.Thr324Met (NM_001322010.2); c.599C>T, p.Thr200Met (NM_001322011.2, NM_001322012.2); c.959C>T, p.Thr320Met (NM_001322013.2); c.1223C>T, p.Thr408Met (NM_001322015.2); short protein forms T511M, T405M, T459M, T320M, T200M, T408M, T324M, T376M.
Identifiers: ClinVar variation 41704 (VCV000041704.55), dbSNP rs74902811, ClinGen allele CA009809.
Genomic context (GRCh38, chr7:5,987,233, plus strand): 5'-TCCTGCGAGCCCCTGTCCCCTGGGGAGCTGGCCGCATACTCGCTGCTGCAGTGACTGCCC[G>A]TGTCTGGGATGCTGAACCCCTCAGAATCCACGGAAGTGCTGCCGTGCCCCGAGTCCTTCT-3'
Protein context (NP_000526.2, residues 501-521): VDSEGFSIPD[Thr511Met]GSHCSSEYAA

ClinVar aggregate classification (germline): Benign. Review status: reviewed by expert panel (3 of 4 stars). 30 submissions from 30 submitters: Benign (1). 29 of the submissions do not count toward it. Last evaluated 2013-09-05.

Conditions:
Hereditary nonpolyposis colorectal neoplasms. Identifiers: MedGen C0009405, MeSH D003123.
Breast and/or ovarian cancer. Identifiers: MedGen CN221562.
Hereditary cancer-predisposing syndrome. Also called: Tumor predisposition; Neoplastic Syndromes, Hereditary; Hereditary neoplastic syndrome; Hereditary Cancer Syndrome. Identifiers: Orphanet 140162, MedGen C0027672, MeSH D009386, MONDO:0015356.
Lynch syndrome. Identifiers: Orphanet 144, MedGen C4552100, MONDO:0005835. Disease mechanism: loss of function.
Lynch syndrome 4 (LYNCH4). Also called: Colorectal cancer, hereditary nonpolyposis, type 4; Hereditary non-polyposis colorectal cancer, type 4. Identifiers: Orphanet 144, MedGen C1838333, MONDO:0013699, OMIM 614337. Disease mechanism: loss of function.
Malignant tumor of breast. Also called: Malignant breast neoplasm; Cancer breast. Identifiers: MedGen C0006142, MONDO:0007254. Disease mechanism: loss of function.

Allele frequency attached by ClinVar (database versions not stated): gnomAD exomes 0.00317 and 0.00811; ExAC 0.00939; gnomAD 0.02401 and 0.02492; ESP Exome Variant Server 0.02645; TOPMed 0.02704; 1000 Genomes Project 0.03694; 1000 Genomes Project 30x 0.03779.
gnomAD v4.1: 8,488 of 1,614,052 alleles (0.53%); highest among the groups gnomAD compares: African/African-American, 8.1%; 283 homozygotes.

Submissions 1 to 21 of 30:

International Society for Gastrointestinal Hereditary Tumours (InSiGHT)
Classification: Benign for Lynch Syndrome. Last evaluated: 2013-09-05. Review status: reviewed by expert panel. Criteria: Guidelines v1.9. Collection method: research. Allele origin: germline.
Comment: MAF >1%

Classified with v1.9 guidelines
ClinVar note: Converted during submission from no known pathogenicity to Benign.

Labcorp Genetics (formerly Invitae), Labcorp
Classification: Benign for Hereditary nonpolyposis colorectal neoplasms. Last evaluated: 2026-02-04. Review status: criteria provided, single submitter. Criteria: Invitae Variant Classification Sherloc (09022015). Collection method: clinical testing. Allele origin: germline. Not counted in ClinVar's aggregate classification.

ARUP Laboratories, Molecular Genetics and Genomics, ARUP Laboratories
Classification: Benign. Last evaluated: 2025-07-17. Review status: criteria provided, single submitter. Criteria: ARUP Molecular Germline Variant Investigation Process 2024. Collection method: clinical testing. Allele origin: germline. Not counted in ClinVar's aggregate classification.

Center for Genomic Medicine, Rigshospitalet, Copenhagen University Hospital
Classification: Benign. Last evaluated: 2025-03-04. Review status: criteria provided, single submitter. Criteria: ACMG Guidelines, 2015. Collection method: clinical testing. Allele origin: germline. Not counted in ClinVar's aggregate classification.

Myriad Genetics, Inc.
Classification: Benign for Lynch syndrome 4. Last evaluated: 2025-01-30. Review status: criteria provided, single submitter. Criteria: Myriad Autosomal Dominant, Autosomal Recessive and X-Linked Classification Criteria (2023). Collection method: clinical testing. Allele origin: unknown. Not counted in ClinVar's aggregate classification.
Comment: This variant is considered benign. This variant has been observed at a population frequency that is significantly greater than expected given the associated disease prevalence and penetrance.

Blueprint Genetics
Classification: Likely benign. Last evaluated: 2024-11-27. Review status: criteria provided, single submitter. Criteria: ACMG Guidelines, 2015. Collection method: clinical testing. Allele origin: germline. Not counted in ClinVar's aggregate classification.

All of Us Research Program, National Institutes of Health
Classification: Benign for Lynch syndrome. Last evaluated: 2024-09-28. Review status: criteria provided, single submitter. Criteria: ACMG Guidelines, 2015. Collection method: clinical testing. Allele origin: germline. Inheritance: Autosomal dominant inheritance. Observed: 2,142 variant alleles, 2,058 heterozygotes, 84 homozygotes. Not counted in ClinVar's aggregate classification.
Comment: This study involves interpretation of variants in research participants for the purpose of population health screening. Participant phenotype was not available at the time of variant classification. Additional details can be found in publication PMID: 35346344, PMCID: PMC8962531

KCCC/NGS Laboratory, Kuwait Cancer Control Center
Classification: Benign for Lynch syndrome 4. Last evaluated: 2023-07-07. Review status: criteria provided, single submitter. Criteria: ACMG Guidelines, 2015. Collection method: clinical testing. Allele origin: germline. Affected: yes. Not counted in ClinVar's aggregate classification.

Mayo Clinic Laboratories, Mayo Clinic
Classification: Benign. Last evaluated: 2023-05-23. Review status: criteria provided, single submitter. Criteria: ACMG Guidelines, 2015. Collection method: clinical testing. Allele origin: germline. Observed: 26 variant alleles. Not counted in ClinVar's aggregate classification.
Comment: BA1, BS3_supporting, BP4, BP6

CHEO Genetics Diagnostic Laboratory, Children's Hospital of Eastern Ontario
Classification: Benign for Breast and/or ovarian cancer. Last evaluated: 2021-06-30. Review status: criteria provided, single submitter. Criteria: ACMG Guidelines, 2015. Collection method: clinical testing. Allele origin: germline. Not counted in ClinVar's aggregate classification.

Laboratory for Molecular Medicine, Mass General Brigham Personalized Medicine
Classification: Benign. Last evaluated: 2021-06-10. Review status: criteria provided, single submitter. Criteria: ACMG Guidelines, 2015. Collection method: clinical testing. Allele origin: germline. Not counted in ClinVar's aggregate classification.
Comment: The p.Thr511Met variant in PMS2 is classified as benign because it has been identified in 8.03% (2002/24922) of African chromosomes, including 81 homozygotes, by gnomAD. In addition, computational prediction and conservation tools suggest that this variant does not impact the protein. ACMG/AMP Criteria applied: BA1, BP4.

Sema4
Classification: Benign for Hereditary cancer-predisposing syndrome. Last evaluated: 2020-08-07. Review status: criteria provided, single submitter. Criteria: Sema4 Curation Guidelines. Collection method: curation. Allele origin: germline. Not counted in ClinVar's aggregate classification.

Eurofins Ntd Llc (ga)
Classification: Benign. Last evaluated: 2018-03-04. Review status: criteria provided, single submitter. Criteria: EGL ClinVar v180209 classification definitions. Collection method: clinical testing. Allele origin: germline. Observed: 12 variant alleles, 11 heterozygotes, 1 homozygote. Not counted in ClinVar's aggregate classification.

Illumina Laboratory Services, Illumina
Classification: Likely benign for Lynch syndrome 4. Last evaluated: 2018-02-02. Review status: criteria provided, single submitter. Criteria: ICSL Variant Classification Criteria 13 December 2019. Collection method: clinical testing. Allele origin: germline. Not counted in ClinVar's aggregate classification.
Comment: This variant was observed as part of a predisposition screen in an ostensibly healthy population. A literature search was performed for the gene, cDNA change, and amino acid change (where applicable). Publications were found based on this search. The evidence from the literature, in combination with allele frequency data from public databases where available, was sufficient to determine this variant is unlikely to cause disease. Therefore, this variant is classified as likely benign.

Center for Pediatric Genomic Medicine, Children's Mercy Hospital and Clinics
Classification: Benign. Last evaluated: 2017-04-19. Review status: criteria provided, single submitter. Criteria: ACMG Guidelines, 2015. Collection method: clinical testing. Allele origin: germline. Not counted in ClinVar's aggregate classification.

Vantari Genetics
Classification: Likely benign for Hereditary cancer-predisposing syndrome. Last evaluated: 2016-02-04. Review status: criteria provided, single submitter. Criteria: ACMG Guidelines, 2015. Collection method: clinical testing. Allele origin: germline. Not counted in ClinVar's aggregate classification.

GeneDx
Classification: Benign. Last evaluated: 2015-03-03. Review status: criteria provided, single submitter. Criteria: GeneDx Variant Classification Process June 2021. Collection method: clinical testing. Allele origin: germline. Affected: yes. Not counted in ClinVar's aggregate classification.
Comment: This variant is associated with the following publications: (PMID: 24728327, 27153395, 27884173, 24027009)

Ambry Genetics
Classification: Benign for Hereditary cancer-predisposing syndrome. Last evaluated: 2014-11-18. Review status: criteria provided, single submitter. Criteria: Ambry Variant Classification Scheme 2023. Collection method: clinical testing. Allele origin: germline. Not counted in ClinVar's aggregate classification.

Color Diagnostics, LLC DBA Color Health
Classification: Benign for Hereditary cancer-predisposing syndrome. Last evaluated: 2014-11-12. Review status: criteria provided, single submitter. Criteria: ACMG Guidelines, 2015. Collection method: clinical testing. Allele origin: germline. Not counted in ClinVar's aggregate classification.

Genome Diagnostics Laboratory, University Medical Center Utrecht
Classification: Benign for Lynch syndrome 4. Last evaluated: 2014-10-09. Review status: criteria provided, single submitter. Criteria: ACGS Guidelines, 2013. Collection method: clinical testing. Allele origin: germline. Affected: yes. Study: VKGL Data-share Consensus. Not counted in ClinVar's aggregate classification.

PreventionGenetics, part of Exact Sciences
Classification: Benign. Review status: criteria provided, single submitter. Criteria: ACMG Guidelines, 2015. Collection method: clinical testing. Allele origin: germline. Not counted in ClinVar's aggregate classification.